The following is an entry in ClinVar:

ClinVar aggregate classification (germline): Likely benign (1 of 4 stars; one submission).

Submission:

CeGaT Center for Human Genetics Tuebingen
Classification: Likely benign. Last evaluated: 2025-12-01. Review status: criteria provided, single submitter. Criteria: CeGaT Center For Human Genetics Tuebingen Variant Classification Criteria Version 2. Collection method: clinical testing. Allele origin: germline. Affected: yes. Observed: 1 variant allele.
Comment: NFKBIB: PM2:Supporting, BP4, BP7

NM_002503.5(NFKBIB):c.63G>C (p.Leu21=)

Gene: NFKBIB (NFKB inhibitor beta; plus strand). Cytogenetic location: 19q13.2.
Variant type: single nucleotide variant.
Coding change: c.63G>C on transcript NM_002503.5 (MANE Select); coding-DNA position 63, G replaced by C.
Protein change: p.Leu21=; no amino-acid change (leucine 21 retained).
Molecular consequence: synonymous variant. On other transcripts: non-coding transcript variant (1), intron variant (1).
Genome position (GRCh38, 1-based): chr19:38,900,095, G>C. VCF-style: chr19-38900095-G-C. GRCh37 (hg19) VCF-style: chr19-39390735-G-C.
Other names: c.63G>C, p.Leu21= (NM_001369699.1, NM_001369700.1); c.-80+356G>C (NM_001243116.2).
Identifiers: ClinVar variation 4682027 (VCV004682027.5).